The following is an entry in ClinVar:

NM_005733.3(KIF20A):c.1929G>C (p.Glu643Asp)

Gene: KIF20A (kinesin family member 20A; plus strand). Cytogenetic location: 5q31.2.
Variant type: single nucleotide variant.
Coding change: c.1929G>C on transcript NM_005733.3 (MANE Select); coding-DNA position 1929, G replaced by C.
Protein change: p.Glu643Asp; replaces glutamic acid 643 with aspartic acid.
Molecular consequence: missense variant.
Genome position (GRCh38, 1-based): chr5:138,185,514, G>C. VCF-style: chr5-138185514-G-C. GRCh37 (hg19) VCF-style: chr5-137521203-G-C.
Other names: short protein forms E643D.
Identifiers: ClinVar variation 2865560 (VCV002865560.3), dbSNP rs2482188786, ClinGen allele CA361117743.

ClinVar aggregate classification (germline): Uncertain significance (1 of 4 stars; one submission).

Submission:

Labcorp Genetics (formerly Invitae), Labcorp
Classification: Uncertain significance. Last evaluated: 2023-05-19. Review status: criteria provided, single submitter. Criteria: Invitae Variant Classification Sherloc (09022015). Collection method: clinical testing. Allele origin: germline.
Comment: In summary, the available evidence is currently insufficient to determine the role of this variant in disease. Therefore, it has been classified as a Variant of Uncertain Significance. An algorithm developed to predict the effect of missense changes on protein structure and function (PolyPhen-2) suggests that this variant is likely to be tolerated. This variant has not been reported in the literature in individuals affected with KIF20A-related conditions. This variant is not present in population databases (gnomAD no frequency). This sequence change replaces glutamic acid, which is acidic and polar, with aspartic acid, which is acidic and polar, at codon 643 of the KIF20A protein (p.Glu643Asp).